The following is an entry in ClinVar:

NM_152594.3(SPRED1):c.*3192G>A

Gene: SPRED1 (sprouty related EVH1 domain containing 1; plus strand). Cytogenetic location: 15q14.
Variant type: single nucleotide variant.
Coding change: c.*3192G>A on transcript NM_152594.3 (MANE Select); 3192 bases downstream of the stop codon, G replaced by A.
Molecular consequence: 3 prime UTR variant.
Genome position (GRCh38, 1-based): chr15:38,354,856, G>A. VCF-style: chr15-38354856-G-A. GRCh37 (hg19) VCF-style: chr15-38647057-G-A.
Identifiers: ClinVar variation 315766 (VCV000315766.31), dbSNP rs566065329, ClinGen allele CA10635914.

ClinVar aggregate classification (germline): Conflicting classifications of pathogenicity. Review status: criteria provided, conflicting classifications (1 of 4 stars). 3 submissions from 3 submitters: Uncertain significance (1); Likely benign (2). Last evaluated 2025-12-12.

Conditions:
Legius syndrome. Identifiers: Orphanet 137605, MedGen C1969623, MONDO:0012669, OMIM 611431. Disease mechanism: loss of function.

Allele frequency attached by ClinVar (database versions not stated): 1000 Genomes Project 30x 0.00016; TOPMed 0.00062; gnomAD 0.00064 and 0.00066.

Submissions (3):

Dasa
Classification: Likely benign. Last evaluated: 2025-12-12. Review status: criteria provided, single submitter. Criteria: DASA Assertion Criteria. Collection method: clinical testing. Allele origin: germline.
Comment: NM_152594.3(SPRED1):c.*3192G>A is a sequence variant. Population frequency is inconsistent with a disease-causing role for this variant, and the variant context is inconsistent with a known disease-causing mechanism. Therefore, based on the currently available evidence, this variant is classified as likely benign.

CeGaT Center for Human Genetics Tuebingen
Classification: Likely benign. Last evaluated: 2023-05-01. Review status: criteria provided, single submitter. Criteria: CeGaT Center For Human Genetics Tuebingen Variant Classification Criteria Version 2. Collection method: clinical testing. Allele origin: germline. Affected: yes. Observed: 1 variant allele.
Comment: SPRED1: BS1

Illumina Laboratory Services, Illumina
Classification: Uncertain significance for Legius syndrome. Last evaluated: 2018-01-12. Review status: criteria provided, single submitter. Criteria: ICSL Variant Classification Criteria 13 December 2019. Collection method: clinical testing. Allele origin: germline.